The following is an entry in ClinVar:

ClinVar aggregate classification (germline): Uncertain significance. Review status: criteria provided, multiple submitters, no conflicts (2 of 4 stars). 3 submissions from 3 submitters: Uncertain significance (3). Last evaluated 2022-08-19.

Conditions:
Hyper-IgM syndrome type 5 (HIGM5). Also called: Hyper-IgM Immunodeficiency Syndrome, Type 5. Identifiers: Orphanet 101092, MedGen C1720958, MONDO:0011971, OMIM 608106.

Allele frequency attached by ClinVar (database versions not stated): gnomAD 0.00013; TOPMed 0.00014; ESP Exome Variant Server 0.00015; ExAC 0.00016; gnomAD exomes 0.00016.
gnomAD v4.1: 322 of 1,609,602 alleles (0.02%); highest among the groups gnomAD compares: Non-Finnish European, 0.026%; 1 homozygote.

Submissions (3):

Labcorp Genetics (formerly Invitae), Labcorp
Classification: Uncertain significance for Hyper-IgM syndrome type 5. Last evaluated: 2022-08-19. Review status: criteria provided, single submitter. Criteria: Invitae Variant Classification Sherloc (09022015). Collection method: clinical testing. Allele origin: germline.
Comment: This sequence change replaces histidine, which is basic and polar, with arginine, which is basic and polar, at codon 198 of the UNG protein (p.His198Arg). This variant is present in population databases (rs201388456, gnomAD 0.03%). This variant has not been reported in the literature in individuals affected with UNG-related conditions. ClinVar contains an entry for this variant (Variation ID: 648895). Algorithms developed to predict the effect of missense changes on protein structure and function are either unavailable or do not agree on the potential impact of this missense change (SIFT: "Tolerated"; PolyPhen-2: "Probably Damaging"; Align-GVGD: "Class C0"). In summary, the available evidence is currently insufficient to determine the role of this variant in disease. Therefore, it has been classified as a Variant of Uncertain Significance.

Ambry Genetics
Classification: Uncertain significance. Last evaluated: 2022-01-18. Review status: criteria provided, single submitter. Criteria: Ambry Variant Classification Scheme 2023. Collection method: clinical testing. Allele origin: germline.

Women's Health and Genetics/Laboratory Corporation of America, LabCorp
Classification: Uncertain significance. Last evaluated: 2019-10-23. Review status: criteria provided, single submitter. Criteria: LabCorp Variant Classification Summary - May 2015. Collection method: clinical testing. Allele origin: germline.
Comment: Variant summary: UNG c.593A>G (p.His198Arg) results in a non-conservative amino acid change located in the Uracil-DNA glycosylase-like domain (IPR005122) of the encoded protein sequence. Five of five in-silico tools predict a damaging effect of the variant on protein function. The variant allele was found at a frequency of 0.00016 in 251478 control chromosomes in the gnomAD database, including 1 homozygotes. This frequency is not significantly higher than expected for a pathogenic variant in UNG causing Hyper IgM Syndrome Type 5 (0.00016 vs 0.00016), allowing no conclusion about variant significance. To our knowledge, no occurrence of c.593A>G in individuals affected with Hyper IgM Syndrome Type 5 and no experimental evidence demonstrating its impact on protein function have been reported. One clinical diagnostic laboratory has submitted clinical-significance assessments for this variant to ClinVar after 2014 without evidence for independent evaluation and classified the variant as uncertain significance. Based on the evidence outlined above, the variant was classified as uncertain significance.

NM_080911.3(UNG):c.593A>G (p.His198Arg)

Gene: UNG (uracil DNA glycosylase; plus strand). Cytogenetic location: 12q24.11.
Variant type: single nucleotide variant.
Coding change: c.593A>G on transcript NM_080911.3 (MANE Select); coding-DNA position 593, A replaced by G.
Protein change: p.His198Arg; replaces histidine 198 with arginine.
Molecular consequence: missense variant.
Genome position (GRCh38, 1-based): chr12:109,102,898, A>G. VCF-style: chr12-109102898-A-G. GRCh37 (hg19) VCF-style: chr12-109540703-A-G.
Other names: c.566A>G, p.His189Arg (NM_003362.4); short protein forms H198R, H189R.
Identifiers: ClinVar variation 648895 (VCV000648895.7), dbSNP rs201388456, ClinGen allele CA6772690.